The following is an entry in ClinVar:

ClinVar aggregate classification (germline): Conflicting classifications of pathogenicity. Review status: criteria provided, conflicting classifications (1 of 4 stars). 10 submissions from 10 submitters: Uncertain significance (2); Benign (1); Likely benign (5). 2 of the submissions do not count toward it. Last evaluated 2026-01-31.

Conditions:
Hereditary cancer-predisposing syndrome. Also called: Neoplastic Syndromes, Hereditary; Hereditary Cancer Syndrome; Tumor predisposition; Hereditary neoplastic syndrome. Identifiers: Orphanet 140162, MedGen C0027672, MeSH D009386, MONDO:0015356.
Peutz-Jeghers syndrome (PJS). Also called: POLYPOSIS, HAMARTOMATOUS INTESTINAL; POLYPS-AND-SPOTS SYNDROME; Peutz-Jeghers polyposis; Periorificial lentiginosis syndrome. Identifiers: Orphanet 2869, MedGen C0031269, MeSH D010580, MONDO:0008280, OMIM 175200.
Malignant tumor of breast. Also called: Malignant breast neoplasm; Cancer breast. Identifiers: MedGen C0006142, MONDO:0007254. Disease mechanism: loss of function.

Allele frequency attached by ClinVar (database versions not stated): TOPMed below 0.00001; gnomAD 0.00001 and 0.00002; gnomAD exomes 0.00002.
gnomAD v4.1: 33 of 1,541,568 alleles (0.0021%); highest among the groups gnomAD compares: Middle Eastern, 0.017%; no homozygotes.

Submissions (10):

Labcorp Genetics (formerly Invitae), Labcorp
Classification: Likely benign for Peutz-Jeghers syndrome. Last evaluated: 2026-01-31. Review status: criteria provided, single submitter. Criteria: Invitae Variant Classification Sherloc (09022015). Collection method: clinical testing. Allele origin: germline.

Women's Health and Genetics/Laboratory Corporation of America, LabCorp
Classification: Likely benign. Last evaluated: 2025-04-29. Review status: criteria provided, single submitter. Criteria: LabCorp Variant Classification Summary - May 2015. Collection method: clinical testing. Allele origin: germline.

Center for Genomic Medicine, Rigshospitalet, Copenhagen University Hospital
Classification: Uncertain significance. Last evaluated: 2025-03-04. Review status: criteria provided, single submitter. Criteria: ACMG Guidelines, 2015. Collection method: clinical testing. Allele origin: germline.

Blueprint Genetics
Classification: Likely benign. Last evaluated: 2023-10-27. Review status: criteria provided, single submitter. Criteria: ACMG Guidelines, 2015. Collection method: clinical testing. Allele origin: germline.

Myriad Genetics, Inc.
Classification: Likely benign for Peutz-Jeghers syndrome. Last evaluated: 2023-04-12. Review status: criteria provided, single submitter. Criteria: Myriad Autosomal Dominant, Autosomal Recessive and X-Linked Classification Criteria (2023). Collection method: clinical testing. Allele origin: unknown.
Comment: This variant is considered likely benign. This variant is intronic and is not expected to impact mRNA splicing.

Genome-Nilou Lab
Classification: Uncertain significance for Peutz-Jeghers syndrome. Last evaluated: 2021-07-15. Review status: criteria provided, single submitter. Criteria: ACMG Guidelines, 2015. Collection method: clinical testing. Allele origin: germline. Affected: no.

Color Diagnostics, LLC DBA Color Health
Classification: Likely benign for Hereditary cancer-predisposing syndrome. Last evaluated: 2016-02-22. Review status: criteria provided, single submitter. Criteria: ACMG Guidelines, 2015. Collection method: clinical testing. Allele origin: germline.

GeneDx
Classification: Benign. Last evaluated: 2015-03-24. Review status: criteria provided, single submitter. Criteria: GeneDx Variant Classification Process June 2021. Collection method: clinical testing. Allele origin: germline. Affected: yes.

Counsyl
Classification: Uncertain significance for Peutz-Jeghers syndrome. Last evaluated: 2015-12-01. Review status: no assertion criteria provided. Collection method: clinical testing. Allele origin: unknown. Not counted in ClinVar's aggregate classification.

Department of Pathology and Laboratory Medicine, Sinai Health System
Classification: Likely benign for Malignant tumor of breast. Review status: no assertion criteria provided. Collection method: clinical testing. Allele origin: unknown. Affected: yes. Study: The Canadian Open Genetics Repository (COGR). Not counted in ClinVar's aggregate classification.
Comment: The STK11 c.921-8G>A variant was not identified in the literature nor was it identified in the LOVD 3.0 database. The variant was identified in dbSNP (ID: rs863224362) as "With other allele", and in ClinVar (classified as likely benign by Invitae and Color; as uncertain significance by Myriad Women's Health).The variant was identified in control databases in 3 of 150676 chromosomes at a frequency of 0.00002 (Genome Aggregation Database Feb 27, 2017). The variant was observed in the European population in 3 of 58874 chromosomes (freq: 0.00005), while the variant was not observed in the African, Other, Latino, Ashkenazi Jewish, East Asian, Finnish, or South Asian populations. The c.921-8G>A variant is located in the 3' splice region but does not affect the invariant -1 and -2 positions. However, positions -3 and -5 to -12 are part of the splicing consensus sequence and variants involving these positions sometimes affect splicing. However, in silico or computational prediction software programs (SpliceSiteFinder, MaxEntScan, NNSPLICE, GeneSplicer) do not predict a difference in splicing. In summary, based on the above information the clinical significance of this variant cannot be determined with certainty at this time although we would lean towards a more benign role for this variant. This variant is classified as likely benign.

NM_000455.5(STK11):c.921-8G>A

Gene: STK11 (serine/threonine kinase 11; plus strand). Cytogenetic location: 19p13.3.
Variant type: single nucleotide variant.
Coding change: c.921-8G>A on transcript NM_000455.5 (MANE Select); 8 bases into the intron before coding-DNA position 921, G replaced by A.
Molecular consequence: intron variant.
Genome position (GRCh38, 1-based): chr19:1,222,977, G>A. VCF-style: chr19-1222977-G-A. GRCh37 (hg19) VCF-style: chr19-1222976-G-A.
Identifiers: ClinVar variation 215743 (VCV000215743.31), dbSNP rs863224362, ClinGen allele CA336730.